The following is an entry in ClinVar:

ClinVar aggregate classification (germline): Pathogenic (1 of 4 stars; one submission).

Submission:

Quest Diagnostics Nichols Institute San Juan Capistrano
Classification: Pathogenic. Last evaluated: 2024-06-10. Review status: criteria provided, single submitter. Criteria: ACMG/ClinGen CNV Guidelines, 2019. Collection method: clinical testing. Allele origin: unknown.
Comment: This copy number gain is associated with the proximal (LCR22 A-D) 22q11.2 duplication syndrome (ISCA-37446; OMIM 608363). Duplications of this locus have been associated with a broad range of features (Clements et al., Mol Autism. 2017 Oct 27:8:58. PMID: 29090080; Wenger et al. Mol Autism. 2016 May 6;7:27. PMID: 27158440). Thus, this CNV is classified as pathogenic.

GRCh37/hg19 22q11.21(chr22:18645353-21465659)x3

Genes: AIFM3 (AIF family member 3; plus strand), ARVCF (ARVCF delta catenin family member; minus strand), C22orf39 (chromosome 22 open reading frame 39; minus strand), CDC45 (cell division cycle 45; plus strand), CLDN5 (claudin 5; minus strand) and 43 more. Cytogenetic location: 22q11.21.
Variant type: copy number gain.
Change: copy number 3 (three copies instead of two) of chr22:18,645,353-21,465,659 (2.82 Mb, GRCh37 coordinates, 1-based), cytogenetic band 22q11.21.
Identifiers: ClinVar variation 565037 (VCV000565037.5).